The following is an entry in ClinVar:

NM_001001557.4(GDF6):c.5A>G (p.Asp2Gly)

Gene: GDF6 (growth differentiation factor 6; minus strand). Cytogenetic location: 8q22.1.
Variant type: single nucleotide variant.
Coding change: c.5A>G on transcript NM_001001557.4 (MANE Select); coding-DNA position 5, A replaced by G.
Protein change: p.Asp2Gly; replaces aspartic acid 2 with glycine.
Molecular consequence: missense variant.
Genome position (GRCh38, 1-based): chr8:96,160,688, T>C on the plus strand (A>G on the coding strand, the complement: GDF6 is on the minus strand). VCF-style: chr8-96160688-T-C. GRCh37 (hg19) VCF-style: chr8-97172916-T-C.
Other names: short protein forms D2G.
Identifiers: ClinVar variation 2930893 (VCV002930893.3), dbSNP rs2487850052, ClinGen allele CA371754152.

ClinVar aggregate classification (germline): Uncertain significance (1 of 4 stars; one submission).

Conditions:
Leber congenital amaurosis 17 (LCA17). Identifiers: Orphanet 65, MedGen C3715164, MONDO:0014145, OMIM 615360.
Klippel-Feil syndrome 1, autosomal dominant (KFS1). Also called: CERVICAL VERTEBRAL FUSION, AUTOSOMAL DOMINANT. Identifiers: Orphanet 2345, MedGen C1861689, MONDO:0007306, OMIM 118100.
Microphthalmia, isolated, with coloboma 6 (MCOPCB6). Also called: Microphthalmia with coloboma 6, digenic; Microphthalmia with coloboma 6; MICROPHTHALMIA/COLOBOMA 6. Identifiers: Orphanet 98938, MedGen C3150968, MONDO:0013376, OMIM 613703.
Isolated microphthalmia 4. Identifiers: Orphanet 2542, MedGen C2751307, MONDO:0013130, OMIM 613094.

Allele frequency attached by ClinVar (database versions not stated): gnomAD exomes below 0.00001.

Submission:

Labcorp Genetics (formerly Invitae), Labcorp
Classification: Uncertain significance for Isolated microphthalmia 4; Leber congenital amaurosis 17; Klippel-Feil syndrome 1, autosomal dominant; Microphthalmia, isolated, with coloboma 6. Last evaluated: 2024-06-09. Review status: criteria provided, single submitter. Criteria: Invitae Variant Classification Sherloc (09022015). Collection method: clinical testing. Allele origin: germline.
Comment: This sequence change replaces aspartic acid, which is acidic and polar, with glycine, which is neutral and non-polar, at codon 2 of the GDF6 protein (p.Asp2Gly). This variant is not present in population databases (gnomAD no frequency). This variant has not been reported in the literature in individuals affected with GDF6-related conditions. An algorithm developed to predict the effect of missense changes on protein structure and function (PolyPhen-2) suggests that this variant is likely to be disruptive. In summary, the available evidence is currently insufficient to determine the role of this variant in disease. Therefore, it has been classified as a Variant of Uncertain Significance.